The following is an entry in ClinVar:

NM_001142800.2(EYS):c.7721A>C (p.Gln2574Pro)

Gene: EYS (EGF-like photoreceptor maintenance factor; minus strand). Cytogenetic location: 6q12.
Variant type: single nucleotide variant.
Coding change: c.7721A>C on transcript NM_001142800.2 (MANE Select); coding-DNA position 7721, A replaced by C.
Protein change: p.Gln2574Pro; replaces glutamine 2574 with proline.
Molecular consequence: missense variant.
Genome position (GRCh38, 1-based): chr6:63,788,107, T>G on the plus strand (A>C on the coding strand, the complement: EYS is on the minus strand). VCF-style: chr6-63788107-T-G. GRCh37 (hg19) VCF-style: chr6-64498000-T-G.
Other names: c.7721A>C, p.Gln2574Pro (NM_001292009.2); short protein forms Q2574P.
Identifiers: ClinVar variation 867168 (VCV000867168.7), dbSNP rs1353713143, ClinGen allele CA364384684.
Genomic context (GRCh38, chr6:63,788,107, plus strand): 5'-TTTTTTCCCTCAACATTTGAAATAAGTAGGTATAATATAAAAAATGTCCATGCCTTACCT[T>G]GAAAACCATTTTTAAAATCTGCTCCATTTGGTAAGAGATCTGGAGTGTATTCACTGTAGC-3'
Protein context (NP_001136272.1, residues 2564-2584): PNGADFKNGF[Gln2574Pro]GCIFTLQVRT

ClinVar aggregate classification (germline): Uncertain significance. Review status: criteria provided, multiple submitters, no conflicts (2 of 4 stars). 2 submissions from 2 submitters: Uncertain significance (2). Last evaluated 2024-09-17.

Allele frequency attached by ClinVar (database versions not stated): gnomAD exomes below 0.00001; TOPMed below 0.00001; gnomAD 0.00001.
gnomAD v4.1: 4 of 1,534,374 alleles (0.00026%); highest among the groups gnomAD compares: Non-Finnish European, 0.00035%; no homozygotes.

Submissions (2):

Blueprint Genetics
Classification: Uncertain significance. Last evaluated: 2024-09-17. Review status: criteria provided, single submitter. Criteria: ACMG Guidelines, 2015. Collection method: clinical testing. Allele origin: germline.

Labcorp Genetics (formerly Invitae), Labcorp
Classification: Uncertain significance. Last evaluated: 2024-03-08. Review status: criteria provided, single submitter. Criteria: Invitae Variant Classification Sherloc (09022015). Collection method: clinical testing. Allele origin: germline.
Comment: This sequence change replaces glutamine, which is neutral and polar, with proline, which is neutral and non-polar, at codon 2574 of the EYS protein (p.Gln2574Pro). This variant is not present in population databases (gnomAD no frequency). This variant has not been reported in the literature in individuals affected with EYS-related conditions. ClinVar contains an entry for this variant (Variation ID: 867168). An algorithm developed to predict the effect of missense changes on protein structure and function (PolyPhen-2) suggests that this variant is likely to be disruptive. In summary, the available evidence is currently insufficient to determine the role of this variant in disease. Therefore, it has been classified as a Variant of Uncertain Significance.